The following is an entry in ClinVar:

ClinVar aggregate classification (germline): Conflicting classifications of pathogenicity. Review status: criteria provided, conflicting classifications (1 of 4 stars). 2 submissions from 2 submitters: Uncertain significance (1); Likely benign (1). Last evaluated 2025-12-01.

Conditions:
Congenital myasthenic syndrome 10. Also called: Myasthenia, limb-girdle, familial. Identifiers: Orphanet 590, MedGen C1850792, MONDO:0009690, OMIM 254300.
Fetal akinesia deformation sequence 1 (FADS1). Also called: Pena-Shokeir syndrome type I; Fetal akinesia sequence. Identifiers: Orphanet 994, MedGen C1276035, MONDO:0100101, OMIM 208150, HP:0001989.

Allele frequency attached by ClinVar (database versions not stated): TOPMed 0.00001; gnomAD 0.00003.
gnomAD v4.1: 14 of 1,607,162 alleles (0.00087%); highest among the groups gnomAD compares: Middle Eastern, 0.033%; no homozygotes.

Submissions (2):

Labcorp Genetics (formerly Invitae), Labcorp
Classification: Likely benign for Congenital myasthenic syndrome 10; Fetal akinesia deformation sequence 1. Last evaluated: 2025-12-01. Review status: criteria provided, single submitter. Criteria: Invitae Variant Classification Sherloc (09022015). Collection method: clinical testing. Allele origin: germline.

Laboratorio de Genetica e Diagnostico Molecular, Hospital Israelita Albert Einstein
Classification: Uncertain significance. Last evaluated: 2019-05-08. Review status: criteria provided, single submitter. Criteria: ACMG Guidelines, 2015. Collection method: clinical testing. Allele origin: germline. Affected: yes.
Comment: ACMG classification criteria: PM1, PM2, PP3

NM_173660.5(DOK7):c.564G>A (p.Glu188=)

Genes: DOK7 (docking protein 7; plus strand), LOC126806951 (CDK7 strongly-dependent group 2 enhancer GRCh37_chr4:3486115-3487314; plus strand). Cytogenetic location: 4p16.3.
Variant type: single nucleotide variant.
Coding change: c.564G>A on transcript NM_173660.5 (MANE Select); coding-DNA position 564, G replaced by A.
Protein change: p.Glu188=; no amino-acid change (glutamic acid 188 retained).
Molecular consequence: synonymous variant. On other transcripts: missense variant (1), 5 prime UTR variant (1).
Genome position (GRCh38, 1-based): chr4:3,485,570, G>A. VCF-style: chr4-3485570-G-A. GRCh37 (hg19) VCF-style: chr4-3487297-G-A.
Other names: c.553G>A, p.Gly185Arg (NM_001164673.2); c.-367G>A (NM_001256896.2); c.564G>A, p.Glu188= (NM_001301071.2); c.132G>A, p.Glu44= (NM_001363811.2); short protein forms G185R.
Identifiers: ClinVar variation 654385 (VCV000654385.13), dbSNP rs375631042, ClinGen allele CA2829063.